The following is an entry in ClinVar:

NM_001267550.2(TTN):c.44223G>A (p.Thr14741=)

Gene: TTN (titin; minus strand). Cytogenetic location: 2q31.2.
Variant type: single nucleotide variant.
Coding change: c.44223G>A on transcript NM_001267550.2 (MANE Select); coding-DNA position 44223, G replaced by A.
Protein change: p.Thr14741=; no amino-acid change (threonine 14741 retained).
Molecular consequence: synonymous variant.
Genome position (GRCh38, 1-based): chr2:178,630,299, C>T on the plus strand (G>A on the coding strand, the complement: TTN is on the minus strand). VCF-style: chr2-178630299-C-T. GRCh37 (hg19) VCF-style: chr2-179495026-C-T.
Other names: c.39300G>A, p.Thr13100= (NM_001256850.1); c.17028G>A, p.Thr5676= (NM_003319.4); c.36519G>A, p.Thr12173= (NM_133378.4); c.17403G>A, p.Thr5801= (NM_133432.3); c.17604G>A, p.Thr5868= (NM_133437.4).
Identifiers: ClinVar variation 501176 (VCV000501176.37), dbSNP rs368830196, ClinGen allele CA1995715.

ClinVar aggregate classification (germline): Conflicting classifications of pathogenicity. Review status: criteria provided, conflicting classifications (1 of 4 stars). 5 submissions from 5 submitters: Uncertain significance (1); Likely benign (4). Last evaluated 2025-07-02.

Conditions:
TTN-related disorder. Also called: TTN-related condition; TTN-related disease; TTN-related disorders.
Cardiovascular phenotype. Identifiers: MedGen CN230736.

Allele frequency attached by ClinVar (database versions not stated): gnomAD 0.00003 and 0.00004; gnomAD exomes 0.00003 and 0.00002; TOPMed 0.00004; ESP Exome Variant Server 0.00008; ExAC 0.00003.
gnomAD v4.1: 52 of 1,613,042 alleles (0.0032%); highest among the groups gnomAD compares: Non-Finnish European, 0.004%; no homozygotes.

Submissions (5):

PreventionGenetics, part of Exact Sciences
Classification: Likely benign for TTN-related condition. Last evaluated: 2025-07-02. Review status: criteria provided, single submitter. Criteria: ACMG Guidelines, 2015. Collection method: clinical testing. Allele origin: germline.
Comment: This variant is classified as likely benign based on ACMG/AMP sequence variant interpretation guidelines (Richards et al. 2015 PMID: 25741868, with internal and published modifications).

Blueprint Genetics
Classification: Likely benign. Last evaluated: 2024-07-10. Review status: criteria provided, single submitter. Criteria: ACMG Guidelines, 2015. Collection method: clinical testing. Allele origin: germline.

CeGaT Center for Human Genetics Tuebingen
Classification: Likely benign. Last evaluated: 2023-01-01. Review status: criteria provided, single submitter. Criteria: CeGaT Center For Human Genetics Tuebingen Variant Classification Criteria Version 2. Collection method: clinical testing. Allele origin: germline. Affected: yes. Observed: 1 variant allele.
Comment: TTN: BP4, BP7

Ambry Genetics
Classification: Likely benign for Cardiovascular phenotype. Last evaluated: 2019-06-25. Review status: criteria provided, single submitter. Criteria: Ambry Variant Classification Scheme 2023. Collection method: clinical testing. Allele origin: germline.

Eurofins Ntd Llc (ga)
Classification: Uncertain significance. Last evaluated: 2017-04-03. Review status: criteria provided, single submitter. Criteria: EGL Classification Definitions 2015. Collection method: clinical testing. Allele origin: germline. Observed: 1 variant allele, 1 heterozygote.